The following is an entry in ClinVar:

NM_001367624.2(ZNF469):c.6436_6441dup (p.Gly2147_Gly2148insLeuGly)

Gene: ZNF469 (zinc finger protein 469; plus strand). Cytogenetic location: 16q24.2.
Variant type: Duplication.
Coding change: c.6436_6441dup on transcript NM_001367624.2 (MANE Select); coding-DNA positions 6436 to 6441, 6 bases duplicated (CTGGGG; older notation c.6436_6441dupCTGGGG).
Protein change: p.Gly2147_Gly2148insLeuGly.
Molecular consequence: inframe insertion.
Genome position (GRCh38, 1-based): chr16:88,433,906-88,433,911, CTGGGG duplicated; duplicating any 6 consecutive bases within chr16:88,433,903-88,433,911 gives the same sequence; the c. name uses the placement nearest the transcript's 3' end. VCF-style (leftmost placement, unchanged base first): chr16-88433902-T-TGGGCTG. GRCh37 (hg19) VCF-style: chr16-88500310-T-TGGGCTG.
Other names: NM_001127464.2:c.6352_6357dupCTGGGG; NM_001127464.1:c.6352_6357dupCTGGGG; p.Leu2146_Gly2147dup.
Identifiers: ClinVar variation 1702144 (VCV001702144.7), dbSNP rs903153275, ClinGen allele CA286381551.
Genomic context (GRCh38, chr16:88,433,902, plus strand): 5'-CTGCAGCCTTGGGCCCCTGCCCCGTGAAGACCCACTTACCTCGCCTTCCAGGGCCCAAGG[T>TGGGCTG]GGGCTGGGGGGGCAGCTGCCAGCATCTCCGTCCTGCAGGGACCCTCCCGGCCCCCAGCAG-3'

ClinVar aggregate classification (germline): Uncertain significance. Review status: criteria provided, multiple submitters, no conflicts (2 of 4 stars). 3 submissions from 3 submitters: Uncertain significance (3). Last evaluated 2025-05-19.

Conditions:
Cardiovascular phenotype. Identifiers: MedGen CN230736.
Ehlers-Danlos syndrome (EDS). Identifiers: Orphanet 98249, MedGen C0013720, MONDO:0020066.

Submissions (3):

Ambry Genetics
Classification: Uncertain significance for Cardiovascular phenotype. Last evaluated: 2025-05-19. Review status: criteria provided, single submitter. Criteria: Ambry Variant Classification Scheme 2023. Collection method: clinical testing. Allele origin: germline.
Comment: The c.6352_6357dupCTGGGG variant (also known as p.L2118_G2119dup), located in coding exon 2 of the ZNF469 gene, results from an in-frame duplication of CTGGGG at nucleotide positions 6352 to 6357. This results in the duplication of 2 extra residues (LG) between codons 2118 and 2119. This amino acid positions are poorly conserved in available vertebrate species. In addition, this variant is predicted to be neutral by in silico analysis (Choi Y et al. PLoS ONE. 2012; 7(10):e46688). Based on the available evidence, the clinical significance of this variant remains unclear.

Mayo Clinic Laboratories, Mayo Clinic
Classification: Uncertain significance. Last evaluated: 2023-02-22. Review status: criteria provided, single submitter. Criteria: ACMG Guidelines, 2015. Collection method: clinical testing. Allele origin: germline. Observed: 1 variant allele.
Comment: BP3

Genome Diagnostics Laboratory, The Hospital for Sick Children
Classification: Uncertain significance for Ehlers-Danlos syndrome. Last evaluated: 2020-02-07. Review status: criteria provided, single submitter. Criteria: ACMG Guidelines, 2015. Collection method: clinical testing. Allele origin: germline.